The following is an entry in ClinVar:

ClinVar aggregate classification (germline): Uncertain significance. Review status: criteria provided, multiple submitters, no conflicts (2 of 4 stars). 3 submissions from 3 submitters: Uncertain significance (3). Last evaluated 2025-01-15.

Conditions:
Inborn genetic diseases. Identifiers: MedGen C0950123, MeSH D030342.
Wilms tumor 1 (WT1). Also called: Wilms tumor, somatic. Identifiers: Orphanet 654, MedGen CN033288, MONDO:0008679, OMIM 194070.
Frasier syndrome. Identifiers: Orphanet 347, MedGen C0950122, MeSH D052159, MONDO:0007635, OMIM 136680.
Drash syndrome (DDS). Also called: NEPHROPATHY, WILMS TUMOR, AND GENITAL ANOMALIES; WILMS TUMOR AND PSEUDO- OR TRUE HERMAPHRODITISM. Identifiers: Orphanet 220, MedGen C0950121, MONDO:0008682, OMIM 194080.
11p partial monosomy syndrome (WAGR). Also called: CHROMOSOME 11p13 DELETION SYNDROME; WAGR syndrome; WAGR Complex; WAGR Spectrum Disorder. Identifiers: Orphanet 893, MedGen C0206115, MONDO:0008681, OMIM 194072.

Allele frequency attached by ClinVar (database versions not stated): ExAC 0.00001; gnomAD 0.00001; gnomAD exomes 0.00001; TOPMed 0.00002.
gnomAD v4.1: 8 of 1,612,580 alleles (0.0005%); highest among the groups gnomAD compares: East Asian, 0.0045%; no homozygotes.

Submissions (3):

Ambry Genetics
Classification: Uncertain significance for Inborn genetic diseases. Last evaluated: 2025-01-15. Review status: criteria provided, single submitter. Criteria: Ambry Variant Classification Scheme 2023. Collection method: clinical testing. Allele origin: germline.
Comment: The p.S190C variant (also known as c.569C>G), located in coding exon 1 of the WT1 gene, results from a C to G substitution at nucleotide position 569. The serine at codon 190 is replaced by cysteine, an amino acid with dissimilar properties. This amino acid position is not well conserved in available vertebrate species. In addition, the in silico prediction for this alteration is inconclusive. Based on the available evidence, the clinical significance of this variant remains unclear.

Labcorp Genetics (formerly Invitae), Labcorp
Classification: Uncertain significance for Wilms tumor 1; Drash syndrome; 11p partial monosomy syndrome; Frasier syndrome. Last evaluated: 2023-12-10. Review status: criteria provided, single submitter. Criteria: Invitae Variant Classification Sherloc (09022015). Collection method: clinical testing. Allele origin: germline.
Comment: This sequence change replaces serine, which is neutral and polar, with cysteine, which is neutral and slightly polar, at codon 190 of the WT1 protein (p.Ser190Cys). This variant is present in population databases (rs778194188, gnomAD 0.01%). This variant has not been reported in the literature in individuals affected with WT1-related conditions. ClinVar contains an entry for this variant (Variation ID: 406700). Advanced modeling of protein sequence and biophysical properties (such as structural, functional, and spatial information, amino acid conservation, physicochemical variation, residue mobility, and thermodynamic stability) has been performed at Invitae for this missense variant, however the output from this modeling did not meet the statistical confidence thresholds required to predict the impact of this variant on WT1 protein function. In summary, the available evidence is currently insufficient to determine the role of this variant in disease. Therefore, it has been classified as a Variant of Uncertain Significance.

All of Us Research Program, National Institutes of Health
Classification: Uncertain significance for Wilms tumor 1. Last evaluated: 2023-09-17. Review status: criteria provided, single submitter. Criteria: ACMG Guidelines, 2015. Collection method: clinical testing. Allele origin: germline. Inheritance: Autosomal dominant inheritance. Observed: 1 variant allele, 1 heterozygote.
Comment: This missense variant replaces serine with cystine at codon 190 in the WT1 protein. Computational prediction is inconclusive regarding the impact of this variant on protein structure and function (internally defined REVEL score threshold 0.5 < inconclusive < 0.7, PMID: 27666373). To our knowledge, functional studies have not been reported for this variant. This variant has not been reported in individuals affected with WT1-related disorders in the literature. This variant has been identified in 3/276284 chromosomes in the general population by the Genome Aggregation Database (gnomAD). The available evidence is insufficient to determine the role of this variant in disease conclusively. Therefore, this variant is classified as a Variant of Uncertain Significance.

This study involves interpretation of variants in research participants for the purpose of population health screening. Participant phenotype was not available at the time of variant classification. Additional details can be found in publication PMID: 35346344, PMCID: PMC8962531

NM_024426.6(WT1):c.584C>G (p.Ser195Cys)

Genes: WT1 (WT1 transcription factor; minus strand), LOC107982234 (WT1/WT1-AS bi-directional promoter region; plus strand). Cytogenetic location: 11p13.
Variant type: single nucleotide variant.
Coding change: c.584C>G on transcript NM_024426.6 (MANE Select); coding-DNA position 584, C replaced by G.
Protein change: p.Ser195Cys; replaces serine 195 with cysteine.
Molecular consequence: missense variant. On other transcripts: non-coding transcript variant (1).
Genome position (GRCh38, 1-based): chr11:32,434,777, G>C on the plus strand (C>G on the coding strand, the complement: WT1 is on the minus strand). VCF-style: chr11-32434777-G-C. GRCh37 (hg19) VCF-style: chr11-32456323-G-C.
Other names: c.584C>G, p.Ser195Cys (NM_000378.6, NM_024424.5); short protein forms S195C.
Identifiers: ClinVar variation 406700 (VCV000406700.11), dbSNP rs778194188, ClinGen allele CA065056.